The following is an entry in ClinVar:

ClinVar aggregate classification (germline): Uncertain significance (1 of 4 stars; one submission).

Conditions:
Sulfite oxidase deficiency due to molybdenum cofactor deficiency type C. Also called: Molybdenum cofactor deficiency, complementation group C; Molybdenum cofactor deficiency C. Identifiers: Orphanet 308400, Orphanet 833, MedGen C1854990, MONDO:0014212, OMIM 615501.

Submission:

Labcorp Genetics (formerly Invitae), Labcorp
Classification: Uncertain significance for Sulfite oxidase deficiency due to molybdenum cofactor deficiency type C. Last evaluated: 2025-09-08. Review status: criteria provided, single submitter. Criteria: Invitae Variant Classification Sherloc (09022015). Collection method: clinical testing. Allele origin: germline.
Comment: This sequence change replaces leucine, which is neutral and non-polar, with proline, which is neutral and non-polar, at codon 356 of the GPHN protein (p.Leu356Pro). This variant is not present in population databases (gnomAD no frequency). This variant has not been reported in the literature in individuals affected with GPHN-related conditions. ClinVar contains an entry for this variant (Variation ID: 1361343). Invitae Evidence Modeling of protein sequence and biophysical properties (such as structural, functional, and spatial information, amino acid conservation, physicochemical variation, residue mobility, and thermodynamic stability) indicates that this missense variant is not expected to disrupt GPHN protein function with a negative predictive value of 80%. In summary, the available evidence is currently insufficient to determine the role of this variant in disease. Therefore, it has been classified as a Variant of Uncertain Significance.

NM_020806.5(GPHN):c.1067T>C (p.Leu356Pro)

Gene: GPHN (gephyrin; plus strand). Cytogenetic location: 14q23.3.
Variant type: single nucleotide variant.
Coding change: c.1067T>C on transcript NM_020806.5 (MANE Select); coding-DNA position 1067, T replaced by C.
Protein change: p.Leu356Pro; replaces leucine 356 with proline.
Molecular consequence: missense variant.
Genome position (GRCh38, 1-based): chr14:67,058,709, T>C. VCF-style: chr14-67058709-T-C. GRCh37 (hg19) VCF-style: chr14-67525426-T-C.
Other names: c.968T>C, p.Leu323Pro (NM_001024218.2); c.1127T>C, p.Leu376Pro (NM_001377514.1); c.1097T>C, p.Leu366Pro (NM_001377515.1); c.1088T>C, p.Leu363Pro (NM_001377516.1); c.1040T>C, p.Leu347Pro (NM_001377517.1); c.1025T>C, p.Leu342Pro (NM_001377518.1); c.1007T>C, p.Leu336Pro (NM_001377519.1); short protein forms L356P, L342P, L363P, L366P, L336P, L347P, L323P, L376P.
Identifiers: ClinVar variation 1361343 (VCV001361343.8), dbSNP rs2153649195, ClinGen allele CA390258271.